The following is an entry in ClinVar:

ClinVar aggregate classification (germline): Uncertain significance (1 of 4 stars; one submission).

Conditions:
Charcot-Marie-Tooth disease type 4. Also called: Charcot-Marie-Tooth disease, type IV; Charcot-Marie-Tooth, Type 4. Identifiers: Orphanet 64749, MedGen C4082197, MONDO:0018995.

Allele frequency attached by ClinVar (database versions not stated): TOPMed 0.00003; ExAC 0.00001; gnomAD exomes below 0.00001; gnomAD 0.00002.
gnomAD v4.1: 4 of 1,613,976 alleles (0.00025%); highest among the groups gnomAD compares: African/African-American, 0.0053%; no homozygotes.

Submission:

Labcorp Genetics (formerly Invitae), Labcorp
Classification: Uncertain significance for Charcot-Marie-Tooth disease type 4. Last evaluated: 2022-06-10. Review status: criteria provided, single submitter. Criteria: Invitae Variant Classification Sherloc (09022015). Collection method: clinical testing. Allele origin: germline.
Comment: In summary, the available evidence is currently insufficient to determine the role of this variant in disease. Therefore, it has been classified as a Variant of Uncertain Significance. Algorithms developed to predict the effect of missense changes on protein structure and function are either unavailable or do not agree on the potential impact of this missense change (SIFT: "Tolerated"; PolyPhen-2: "Probably Damaging"; Align-GVGD: "Class C0"). This variant has not been reported in the literature in individuals affected with SBF2-related conditions. This variant is present in population databases (rs756431460, gnomAD 0.007%). This sequence change replaces alanine, which is neutral and non-polar, with threonine, which is neutral and polar, at codon 717 of the SBF2 protein (p.Ala717Thr).

NM_030962.4(SBF2):c.2149G>A (p.Ala717Thr)

Genes: SBF2 (SET binding factor 2; minus strand), LOC101928008 (uncharacterized LOC101928008; plus strand). Cytogenetic location: 11p15.4.
Variant type: single nucleotide variant.
Coding change: c.2149G>A on transcript NM_030962.4 (MANE Select); coding-DNA position 2149, G replaced by A.
Protein change: p.Ala717Thr; replaces alanine 717 with threonine.
Molecular consequence: missense variant.
Genome position (GRCh38, 1-based): chr11:9,856,672, C>T on the plus strand (G>A on the coding strand, the complement: SBF2 is on the minus strand). VCF-style: chr11-9856672-C-T. GRCh37 (hg19) VCF-style: chr11-9878219-C-T.
Other names: c.2149G>A, p.Ala717Thr (NM_001386339.1); c.2020G>A, p.Ala674Thr (NM_001386342.1); short protein forms A717T, A674T.
Identifiers: ClinVar variation 2077046 (VCV002077046.4), dbSNP rs756431460, ClinGen allele CA5881618.